The following is an entry in ClinVar:

NM_005733.3(KIF20A):c.255+1G>A

Gene: KIF20A (kinesin family member 20A; plus strand). Cytogenetic location: 5q31.2.
Variant type: single nucleotide variant.
Coding change: c.255+1G>A on transcript NM_005733.3 (MANE Select); the canonical splice donor site of the intron after coding-DNA position 255, G replaced by A.
Molecular consequence: splice donor variant.
Genome position (GRCh38, 1-based): chr5:138,181,512, G>A. VCF-style: chr5-138181512-G-A. GRCh37 (hg19) VCF-style: chr5-137517201-G-A.
Identifiers: ClinVar variation 1962806 (VCV001962806.5), dbSNP rs1300158096, ClinGen allele CA361112221.
Genomic context (GRCh38, chr5:138,181,512, plus strand): 5'-AAAGTATACTTGAGGGTTAGGCCCTTGTTACCTTCAGAGTTGGAACGACAGGAAGATCAG[G>A]TAAGTGTCTGAGAAGGGAGGATTCAAGGTGAAATGATGCAGTACAAAAGATTCCCAGGAA-3'

ClinVar aggregate classification (germline): Uncertain significance (1 of 4 stars; one submission).

gnomAD v4.1: 2 of 1,614,124 alleles (0.00012%); highest among the groups gnomAD compares: Non-Finnish European, 0.00017%; no homozygotes.

Submission:

Labcorp Genetics (formerly Invitae), Labcorp
Classification: Uncertain significance. Last evaluated: 2022-02-20. Review status: criteria provided, single submitter. Criteria: Invitae Variant Classification Sherloc (09022015). Collection method: clinical testing. Allele origin: germline.
Comment: This sequence change affects a donor splice site in intron 3 of the KIF20A gene. It is expected to disrupt RNA splicing. Variants that disrupt the donor or acceptor splice site typically lead to a loss of protein function (PMID: 16199547), however the current clinical and genetic evidence is not sufficient to establish whether loss-of-function variants in KIF20A cause disease. This variant is not present in population databases (gnomAD no frequency). This variant has not been reported in the literature in individuals affected with KIF20A-related conditions. Algorithms developed to predict the effect of sequence changes on RNA splicing suggest that this variant may disrupt the consensus splice site. In summary, the available evidence is currently insufficient to determine the role of this variant in disease. Therefore, it has been classified as a Variant of Uncertain Significance.

Literature cited by the submitters: PubMed 16199547.